The following is an entry in ClinVar:

ClinVar aggregate classification (germline): Uncertain significance (1 of 4 stars; one submission).

gnomAD v4.1: 1 of 1,614,000 alleles (0.000062%); highest among the groups gnomAD compares: East Asian, 0.0022%; no homozygotes.

Submission:

Labcorp Genetics (formerly Invitae), Labcorp
Classification: Uncertain significance. Last evaluated: 2023-09-18. Review status: criteria provided, single submitter. Criteria: Invitae Variant Classification Sherloc (09022015). Collection method: clinical testing. Allele origin: germline.
Comment: In summary, the available evidence is currently insufficient to determine the role of this variant in disease. Therefore, it has been classified as a Variant of Uncertain Significance. An algorithm developed to predict the effect of missense changes on protein structure and function (PolyPhen-2) suggests that this variant is likely to be tolerated. This variant has not been reported in the literature in individuals affected with DSCAML1-related conditions. This variant is not present in population databases (gnomAD no frequency). This sequence change replaces isoleucine, which is neutral and non-polar, with threonine, which is neutral and polar, at codon 1742 of the DSCAML1 protein (p.Ile1742Thr).

NM_020693.4(DSCAML1):c.5045T>C (p.Ile1682Thr)

Gene: DSCAML1 (DS cell adhesion molecule like 1; minus strand). Cytogenetic location: 11q23.3.
Variant type: single nucleotide variant.
Coding change: c.5045T>C on transcript NM_020693.4 (MANE Select); coding-DNA position 5045, T replaced by C.
Protein change: p.Ile1682Thr; replaces isoleucine 1682 with threonine.
Molecular consequence: missense variant.
Genome position (GRCh38, 1-based): chr11:117,432,486, A>G on the plus strand (T>C on the coding strand, the complement: DSCAML1 is on the minus strand). VCF-style: chr11-117432486-A-G. GRCh37 (hg19) VCF-style: chr11-117303202-A-G.
Other names: short protein forms I1682T.
Identifiers: ClinVar variation 2761401 (VCV002761401.3), dbSNP rs759050432, ClinGen allele CA382755901.